The following is an entry in ClinVar:

ClinVar aggregate classification (germline): Uncertain significance (1 of 4 stars; one submission).

gnomAD v4.1: 1 of 1,592,844 alleles (0.000063%); highest among the groups gnomAD compares: Non-Finnish European, 0.000086%; no homozygotes.

Submission:

GeneDx
Classification: Uncertain significance. Last evaluated: 2025-03-10. Review status: criteria provided, single submitter. Criteria: GeneDx Variant Classification Process June 2021. Collection method: clinical testing. Allele origin: germline.
Comment: Not observed at significant frequency in large population cohorts (gnomAD); In silico analysis supports that this missense variant has a deleterious effect on protein structure/function; Has not been previously published as pathogenic or benign to our knowledge

NM_017934.7(PHIP):c.2868T>A (p.Phe956Leu)

Genes: IRAK1BP1 (interleukin 1 receptor associated kinase 1 binding protein 1; plus strand), PHIP (PHIP subunit of CUL4-Ring ligase complex; minus strand). Cytogenetic location: 6q14.1.
Variant type: single nucleotide variant.
Coding change: c.2868T>A on transcript NM_017934.7 (MANE Select); coding-DNA position 2868, T replaced by A.
Protein change: p.Phe956Leu; replaces phenylalanine 956 with leucine.
Molecular consequence: missense variant.
Genome position (GRCh38, 1-based): chr6:78,978,613, A>T on the plus strand (T>A on the coding strand, the complement: PHIP is on the minus strand). VCF-style: chr6-78978613-A-T. GRCh37 (hg19) VCF-style: chr6-79688330-A-T.
Other names: short protein forms F956L.
Identifiers: ClinVar variation 3367880 (VCV003367880.2).